The following is an entry in ClinVar:

NM_000393.5(COL5A2):c.2486C>T (p.Ser829Phe)

Gene: COL5A2 (collagen type V alpha 2 chain; minus strand). Cytogenetic location: 2q32.2.
Variant type: single nucleotide variant.
Coding change: c.2486C>T on transcript NM_000393.5 (MANE Select); coding-DNA position 2486, C replaced by T.
Protein change: p.Ser829Phe; replaces serine 829 with phenylalanine.
Molecular consequence: missense variant.
Genome position (GRCh38, 1-based): chr2:189,053,908, G>A on the plus strand (C>T on the coding strand, the complement: COL5A2 is on the minus strand). VCF-style: chr2-189053908-G-A. GRCh37 (hg19) VCF-style: chr2-189918634-G-A.
Other names: c.2486C>T (NM_000393.3); short protein forms S829F.
Identifiers: ClinVar variation 1025628 (VCV001025628.10), dbSNP rs771633594, ClinGen allele CA2022307.

ClinVar aggregate classification (germline): Uncertain significance. Review status: criteria provided, multiple submitters, no conflicts (2 of 4 stars). 2 submissions from 2 submitters: Uncertain significance (2). Last evaluated 2026-09-11.

Conditions:
Familial thoracic aortic aneurysm and aortic dissection (TAAD). Also called: Thoracic aortic aneurysms and dissections. Identifiers: Orphanet 91387, MedGen C4707243, MONDO:0019625.
Ehlers-Danlos syndrome, classic type, 1 (EDSCL1). Also called: Ehlers-Danlos syndrome, type 1; EDS I; EHLERS-DANLOS SYNDROME, GRAVIS TYPE; EHLERS-DANLOS SYNDROME, SEVERE CLASSIC TYPE; Ehlers-Danlos Syndrome, Classic Type, COL5A1-Related. Identifiers: MedGen C0268335, MONDO:0019567, OMIM 130000.

Allele frequency attached by ClinVar (database versions not stated): TOPMed 0.00001; gnomAD 0.00001; ExAC 0.00001.
gnomAD v4.1: 4 of 1,613,786 alleles (0.00025%); highest among the groups gnomAD compares: Non-Finnish European, 0.00034%; no homozygotes.

Submissions (2):

Ambry Genetics
Classification: Uncertain significance for Familial thoracic aortic aneurysm and aortic dissection. Last evaluated: 2026-09-11. Review status: criteria provided, single submitter. Criteria: Ambry Variant Classification Scheme 2023. Collection method: clinical testing. Allele origin: germline.

Labcorp Genetics (formerly Invitae), Labcorp
Classification: Uncertain significance for Ehlers-Danlos syndrome, classic type, 1. Last evaluated: 2023-10-15. Review status: criteria provided, single submitter. Criteria: Invitae Variant Classification Sherloc (09022015). Collection method: clinical testing. Allele origin: germline.
Comment: This sequence change replaces serine, which is neutral and polar, with phenylalanine, which is neutral and non-polar, at codon 829 of the COL5A2 protein (p.Ser829Phe). This variant is present in population databases (rs771633594, gnomAD 0.0009%). This variant has not been reported in the literature in individuals affected with COL5A2-related conditions. ClinVar contains an entry for this variant (Variation ID: 1025628). Advanced modeling of protein sequence and biophysical properties (such as structural, functional, and spatial information, amino acid conservation, physicochemical variation, residue mobility, and thermodynamic stability) performed at Invitae indicates that this missense variant is not expected to disrupt COL5A2 protein function. In summary, the available evidence is currently insufficient to determine the role of this variant in disease. Therefore, it has been classified as a Variant of Uncertain Significance.